The following is an entry in ClinVar:

NM_033337.3(CAV3):c.125A>C (p.Glu42Ala)

Genes: CAV3 (caveolin 3; plus strand), OXTR (oxytocin receptor; minus strand). Cytogenetic location: 3p25.3.
Variant type: single nucleotide variant.
Coding change: c.125A>C on transcript NM_033337.3 (MANE Select); coding-DNA position 125, A replaced by C.
Protein change: p.Glu42Ala; replaces glutamic acid 42 with alanine.
Molecular consequence: missense variant.
Genome position (GRCh38, 1-based): chr3:8,745,536, A>C. VCF-style: chr3-8745536-A-C. GRCh37 (hg19) VCF-style: chr3-8787222-A-C.
Other names: c.125A>C, p.Glu42Ala (NM_001234.5); short protein forms E42A.
Identifiers: ClinVar variation 409255 (VCV000409255.21), dbSNP rs137901165, ClinGen allele CA2236324.
Genomic context (GRCh38, chr3:8,745,536, plus strand): 5'-AGAAGCGGGTGGCTTCTGTGAGTTGAGGCTTCCCCTTGCCACCCCTGCAGGTGGATTTTG[A>C]AGACGTGATCGCAGAGCCTGTGGGCACCTACAGCTTTGACGGCGTGTGGAAGGTGAGCTA-3'
Protein context (NP_203123.1, residues 32-52): INEDIVKVDF[Glu42Ala]DVIAEPVGTY

ClinVar aggregate classification (germline): Uncertain significance. Review status: criteria provided, multiple submitters, no conflicts (2 of 4 stars). 7 submissions from 7 submitters: Uncertain significance (7). Last evaluated 2025-12-31.

Conditions:
Hypertrophic cardiomyopathy 1 (CMH1). Also called: MYH7-Related Familial Hypertrophic Cardiomyopathy; Familial hypertrophic cardiomyopathy 1. Identifiers: MedGen C3495498, MONDO:0008647, OMIM 192600.
Long QT syndrome 9 (LQT9). Identifiers: Orphanet 101016, Orphanet 768, MedGen C2678485, MONDO:0012736, OMIM 611818.
Rippling muscle disease 2 (RMD2). Also called: Limb-girdle muscular dystrophy, type 1C; CAV3-Related Rippling Muscle Disease. Identifiers: Orphanet 265, MedGen C1832560, MONDO:0019947, OMIM 606072.
Distal myopathy, Tateyama type (MPDT). Also called: CAV3-Related Distal Myopathy. Identifiers: Orphanet 488650, MedGen C3280443, MONDO:0013686, OMIM 614321.
Elevated circulating creatine kinase activity. Also called: Elevated serum creatine phosphokinase; Elevated circulating creatine kinase concentration; Elevated creatine kinase. Identifiers: MedGen C0241005, HP:0003236.
Cardiovascular phenotype. Identifiers: MedGen CN230736.
Long QT syndrome (LQTS). Identifiers: MedGen C0023976, MeSH D008133, MONDO:0002442. Disease mechanism: loss of function. Inheritance: Various modes of inheritance.

Allele frequency attached by ClinVar (database versions not stated): gnomAD exomes 0.00001 and 0.00003; ExAC 0.00005; TOPMed 0.00010; gnomAD 0.00011; 1000 Genomes Project 30x 0.00016; 1000 Genomes Project 0.00020; ESP Exome Variant Server 0.00023.
gnomAD v4.1: 25 of 1,613,984 alleles (0.0015%); highest among the groups gnomAD compares: African/African-American, 0.033%; no homozygotes.

Submissions (7):

Labcorp Genetics (formerly Invitae), Labcorp
Classification: Uncertain significance for Long QT syndrome. Last evaluated: 2025-12-31. Review status: criteria provided, single submitter. Criteria: Invitae Variant Classification Sherloc (09022015). Collection method: clinical testing. Allele origin: germline.
Comment: This sequence change replaces glutamic acid, which is acidic and polar, with alanine, which is neutral and non-polar, at codon 42 of the CAV3 protein (p.Glu42Ala). This variant is present in population databases (rs137901165, gnomAD 0.05%). This variant has not been reported in the literature in individuals affected with CAV3-related conditions. ClinVar contains an entry for this variant (Variation ID: 409255). An algorithm developed to predict the effect of missense changes on protein structure and function (PolyPhen-2) suggests that this variant is likely to be disruptive. In summary, the available evidence is currently insufficient to determine the role of this variant in disease. Therefore, it has been classified as a Variant of Uncertain Significance.

Ambry Genetics
Classification: Uncertain significance for Cardiovascular phenotype. Last evaluated: 2025-04-24. Review status: criteria provided, single submitter. Criteria: Ambry Variant Classification Scheme 2023. Collection method: clinical testing. Allele origin: germline.

Athena Diagnostics
Classification: Uncertain significance. Last evaluated: 2023-05-25. Review status: criteria provided, single submitter. Criteria: Athena Diagnostics Criteria. Collection method: clinical testing. Allele origin: unknown.
Comment: Available data are insufficient to determine the clinical significance of the variant at this time. The frequency of this variant in the general population is uninformative in assessment of its pathogenicity. Computational tools yielded predictions that this variant may result in the gain of a cryptic splice site without affecting the natural splice sites. Computational tools predict that this variant is damaging.

GeneDx
Classification: Uncertain significance. Last evaluated: 2022-05-27. Review status: criteria provided, single submitter. Criteria: GeneDx Variant Classification Process June 2021. Collection method: clinical testing. Allele origin: germline. Affected: yes.
Comment: Has not been previously published as pathogenic or benign to our knowledge; Missense variants in this gene are often considered pathogenic (HGMD); In silico analysis supports that this missense variant has a deleterious effect on protein structure/function

Fulgent Genetics
Classification: Uncertain significance for Creatine phosphokinase, elevated serum; Hypertrophic cardiomyopathy 1; Rippling muscle disease 2; Long QT syndrome 9; Distal myopathy, Tateyama type. Last evaluated: 2021-10-04. Review status: criteria provided, single submitter. Criteria: ACMG Guidelines, 2015. Collection method: clinical testing. Allele origin: unknown.

Women's Health and Genetics/Laboratory Corporation of America, LabCorp
Classification: Uncertain significance. Last evaluated: 2020-08-24. Review status: criteria provided, single submitter. Criteria: LabCorp Variant Classification Summary - May 2015. Collection method: clinical testing. Allele origin: germline.
Comment: Variant summary: CAV3 c.125A>C (p.Glu42Ala) results in a non-conservative amino acid change located in the Caveolin, conserved site (IPR018361) of the encoded protein sequence. Five of five in-silico tools predict a damaging effect of the variant on protein function. The variant allele was found at a frequency of 2.8e-05 in 251224 control chromosomes. The available data on variant occurrences in the general population are insufficient to allow any conclusion about variant significance. To our knowledge, no occurrence of c.125A>C in individuals affected with Hypertrophic Cardiomyopathy and no experimental evidence demonstrating its impact on protein function have been reported. Two ClinVar submitters (evaluation after 2014) cite the variant as uncertain significance. Based on the evidence outlined above, the variant was classified as uncertain significance.

Eurofins Ntd Llc (ga)
Classification: Uncertain significance. Last evaluated: 2017-01-04. Review status: criteria provided, single submitter. Criteria: EGL Classification Definitions 2015. Collection method: clinical testing. Allele origin: germline. Observed: 2 variant alleles, 2 heterozygotes.